The following is an entry in ClinVar:

ClinVar aggregate classification (germline): Uncertain significance (1 of 4 stars; one submission).

Conditions:
Cardiovascular phenotype. Identifiers: MedGen CN230736.

Submission:

Ambry Genetics
Classification: Uncertain significance for Cardiovascular phenotype. Last evaluated: 2025-07-06. Review status: criteria provided, single submitter. Criteria: Ambry Variant Classification Scheme 2023. Collection method: clinical testing. Allele origin: germline.
Comment: The p.T137S variant (also known as c.409A>T), located in coding exon 3 of the SCN10A gene, results from an A to T substitution at nucleotide position 409. The threonine at codon 137 is replaced by serine, an amino acid with similar properties. This amino acid position is conserved. In addition, the in silico prediction for this alteration is inconclusive. Based on the available evidence, the clinical significance of this variant remains unclear.

NM_006514.4(SCN10A):c.409A>T (p.Thr137Ser)

Gene: SCN10A (sodium voltage-gated channel alpha subunit 10; minus strand). Cytogenetic location: 3p22.2.
Variant type: single nucleotide variant.
Coding change: c.409A>T on transcript NM_006514.4 (MANE Select); coding-DNA position 409, A replaced by T.
Protein change: p.Thr137Ser; replaces threonine 137 with serine.
Molecular consequence: missense variant.
Genome position (GRCh38, 1-based): chr3:38,789,017, T>A on the plus strand (A>T on the coding strand, the complement: SCN10A is on the minus strand). VCF-style: chr3-38789017-T-A. GRCh37 (hg19) VCF-style: chr3-38830508-T-A.
Other names: c.409A>T, p.Thr137Ser (NM_001293306.2, NM_001293307.2); short protein forms T137S.
Identifiers: ClinVar variation 4160532 (VCV004160532.1).